The following is an entry in ClinVar:

NM_032620.4(GTPBP3):c.975-222C>T

Gene: GTPBP3 (GTP binding protein 3, mitochondrial; plus strand). Cytogenetic location: 19p13.11.
Variant type: single nucleotide variant.
Coding change: c.975-222C>T on transcript NM_032620.4 (MANE Select); 222 bases into the intron before coding-DNA position 975, C replaced by T.
Molecular consequence: intron variant.
Genome position (GRCh38, 1-based): chr19:17,340,822, C>T. VCF-style: chr19-17340822-C-T. GRCh37 (hg19) VCF-style: chr19-17451631-C-T.
Other names: c.1041-222C>T (NM_001195422.1); c.1071-222C>T (NM_133644.4); c.975-285C>T (NM_001128855.3).
Identifiers: ClinVar variation 684095 (VCV000684095.1), dbSNP rs117220623, ClinGen allele CA14656797.

ClinVar aggregate classification (germline): Benign (1 of 4 stars; one submission).

Allele frequency attached by ClinVar (database versions not stated): gnomAD exomes 0.01698; 1000 Genomes Project 30x 0.04950; 1000 Genomes Project 0.05012; gnomAD 0.07951 and 0.08208.

Submission:

GeneDx
Classification: Benign. Last evaluated: 2018-06-14. Review status: criteria provided, single submitter. Criteria: GeneDx Variant Classification (06012015). Collection method: clinical testing. Allele origin: germline. Affected: yes.
Comment: This variant is considered likely benign or benign based on one or more of the following criteria: it is a conservative change, it occurs at a poorly conserved position in the protein, it is predicted to be benign by multiple in silico algorithms, and/or has population frequency not consistent with disease.